The following is an entry in ClinVar:

ClinVar aggregate classification (germline): Conflicting classifications of pathogenicity. Review status: criteria provided, conflicting classifications (1 of 4 stars). 2 submissions from 2 submitters: Likely pathogenic (1); Uncertain significance (1). Last evaluated 2025-02-08.

Conditions:
Inborn genetic diseases. Identifiers: MedGen C0950123, MeSH D030342.

Allele frequency attached by ClinVar (database versions not stated): gnomAD 0.00001.
gnomAD v4.1: 2 of 1,614,108 alleles (0.00012%); no homozygotes.

Submissions (2):

Ambry Genetics
Classification: Uncertain significance for Inborn genetic diseases. Last evaluated: 2025-02-08. Review status: criteria provided, single submitter. Criteria: Ambry Variant Classification Scheme 2023. Collection method: clinical testing. Allele origin: germline.
Comment: The p.R874T variant (also known as c.2621G>C), located in coding exon 28 of the FANCA gene, results from a G to C substitution at nucleotide position 2621. The arginine at codon 874 is replaced by threonine, an amino acid with similar properties. This amino acid position is conserved. In addition, this alteration is predicted to be deleterious by in silico analysis. Based on the available evidence, the clinical significance of this variant remains unclear.

Genetic Services Laboratory, University of Chicago
Classification: Likely pathogenic. Last evaluated: 2019-07-11. Review status: criteria provided, single submitter. Criteria: ACMG Guidelines, 2015. Collection method: clinical testing. Allele origin: germline. Affected: yes.
Comment: DNA sequence analysis of the FANCA gene demonstrated a sequence change, c.2738A>C in exon 28, which results in an amino acid change, p.His913Pro. This sequence change has been described in the gnomAD database in the heterozygous state in a single individual (dbSNP rs1302083447). The p.His913Pro change has been previously described in the homozygous and compound heterozygous state in multiple patients with Fanconi anemia (PMID: 15643609, De Rocco et al., 2014; Bottega et al., 2018). Functional analysis of the p.His913Pro change demonstrated that the FANCA protein was stably expressed in the cytoplasm but was unable to migrate to nucleus and therefore prevented cellular DNA repair (Bottega et al., 2018). The p.His913Pro change affects a poorly conserved amino acid residue located in a domain of the FANCA protein that is not known to be functional. In-silico pathogenicity prediction tools (SIFT, PolyPhen2, Align GVGD, REVEL) provide contradictory results for the p.His913Pro substitution.

NM_000135.4(FANCA):c.2621G>C (p.Arg874Thr)

Genes: FANCA (FA complementation group A; minus strand), LOC130059837 (ATAC-STARR-seq lymphoblastoid active region 11420; plus strand). Cytogenetic location: 16q24.3.
Variant type: single nucleotide variant.
Coding change: c.2621G>C on transcript NM_000135.4 (MANE Select); coding-DNA position 2621, G replaced by C.
Protein change: p.Arg874Thr; replaces arginine 874 with threonine.
Molecular consequence: missense variant.
Genome position (GRCh38, 1-based): chr16:89,765,047, C>G on the plus strand (G>C on the coding strand, the complement: FANCA is on the minus strand). VCF-style: chr16-89765047-C-G. GRCh37 (hg19) VCF-style: chr16-89831455-C-G.
Other names: c.2621G>C, p.Arg874Thr (NM_001286167.3); short protein forms R874T.
Identifiers: ClinVar variation 1337268 (VCV001337268.5), dbSNP rs780114543, ClinGen allele CA397438905.
Genomic context (GRCh38, chr16:89,765,047, plus strand): 5'-CTCCAGGAAAGGCTGGCTACGTCCTCCTCAGAAAGAGGCTGTCGGGCCTCTGAGAACAAT[C>G]TGAACATGAGGAACTGAAACTGAAACAGAGAGTGACCCGGCCGTTTCTTCATTGCGCAAG-3'
Protein context (NP_000126.2, residues 864-884): LIKKFQFLMF[Arg874Thr]LFSEARQPLS